The following is an entry in ClinVar:

ClinVar aggregate classification (germline): Likely benign (1 of 4 stars; one submission).

Conditions:
FITM2-related disorder. Also called: FITM2-related condition.

Submission:

PreventionGenetics, part of Exact Sciences
Classification: Likely benign for FITM2-related condition. Last evaluated: 2026-05-11. Review status: criteria provided, single submitter. Criteria: ACMG Guidelines, 2015. Collection method: clinical testing. Allele origin: germline.
Comment: This variant is classified as likely benign based on ACMG/AMP sequence variant interpretation guidelines (Richards et al. 2015 PMID: 25741868, with internal and published modifications).

NM_001080472.4(FITM2):c.303G>A (p.Thr101=)

Gene: FITM2 (fat storage inducing transmembrane protein 2; minus strand). Cytogenetic location: 20q13.12.
Variant type: single nucleotide variant.
Coding change: c.303G>A on transcript NM_001080472.4 (MANE Select); coding-DNA position 303, G replaced by A.
Protein change: p.Thr101=; no amino-acid change (threonine 101 retained).
Molecular consequence: synonymous variant.
Genome position (GRCh38, 1-based): chr20:44,307,111, C>T on the plus strand (G>A on the coding strand, the complement: FITM2 is on the minus strand). VCF-style: chr20-44307111-C-T. GRCh37 (hg19) VCF-style: chr20-42935751-C-T.
Identifiers: ClinVar variation 4977891 (VCV004977891.1).